The following is an entry in ClinVar:

NM_012431.3(SEMA3E):c.984C>A (p.Leu328=)

Gene: SEMA3E (semaphorin 3E; minus strand). Cytogenetic location: 7q21.11.
Variant type: single nucleotide variant.
Coding change: c.984C>A on transcript NM_012431.3 (MANE Select); coding-DNA position 984, C replaced by A.
Protein change: p.Leu328=; no amino-acid change (leucine 328 retained).
Molecular consequence: synonymous variant.
Genome position (GRCh38, 1-based): chr7:83,405,464, G>T on the plus strand (C>A on the coding strand, the complement: SEMA3E is on the minus strand). VCF-style: chr7-83405464-G-T. GRCh37 (hg19) VCF-style: chr7-83034780-G-T.
Other names: c.804C>A, p.Leu268= (NM_001178129.2).
Identifiers: ClinVar variation 3346036 (VCV003346036.1).

ClinVar aggregate classification (germline): Likely benign (0 of 4 stars; one submission).

Conditions:
SEMA3E-related disorder. Also called: SEMA3E-related condition.

Submission:

PreventionGenetics, part of Exact Sciences
Classification: Likely benign for SEMA3E-related condition. Last evaluated: 2024-04-04. Review status: no assertion criteria provided. Collection method: clinical testing. Allele origin: germline.
Comment: This variant is classified as likely benign based on ACMG/AMP sequence variant interpretation guidelines (Richards et al. 2015 PMID: 25741868, with internal and published modifications).